The following is an entry in ClinVar:

ClinVar aggregate classification (germline): Likely pathogenic. Review status: criteria provided, single submitter (1 of 4 stars). 2 submissions from 2 submitters: Likely pathogenic (1). 1 of the submissions does not count toward it. Last evaluated 2024-05-21.

Conditions:
Lichtenstein-Knorr syndrome (LIKNS). Also called: SPINOCEREBELLAR ATAXIA, AUTOSOMAL RECESSIVE 19. Identifiers: Orphanet 448251, MedGen C4225383, MONDO:0014572, OMIM 616291.

Allele frequency attached by ClinVar (database versions not stated): gnomAD exomes below 0.00001.
gnomAD v4.1: 3 of 1,613,966 alleles (0.00019%); highest among the groups gnomAD compares: Admixed American, 0.0017%; no homozygotes.

Submissions (2):

GeneDx
Classification: Likely pathogenic. Last evaluated: 2024-05-21. Review status: criteria provided, single submitter. Criteria: GeneDx Variant Classification Process June 2021. Collection method: clinical testing. Allele origin: germline. Affected: yes.
Comment: Not observed at significant frequency in large population cohorts (gnomAD); In silico analysis supports that this missense variant has a deleterious effect on protein structure/function; This variant is associated with the following publications: (PMID: 25205112)

OMIM
Classification: Pathogenic for LICHTENSTEIN-KNORR SYNDROME. Last evaluated: 2015-01-15. Review status: no assertion criteria provided. Collection method: literature only. Allele origin: germline. Not counted in ClinVar's aggregate classification.

Literature cited by the submitters: PubMed 25205112 (cited by OMIM).

NM_003047.5(SLC9A1):c.913G>A (p.Gly305Arg)

Gene: SLC9A1 (solute carrier family 9 member A1; minus strand). Cytogenetic location: 1p36.11.
Variant type: single nucleotide variant.
Coding change: c.913G>A on transcript NM_003047.5 (MANE Select); coding-DNA position 913, G replaced by A.
Protein change: p.Gly305Arg; replaces glycine 305 with arginine.
Molecular consequence: missense variant. On other transcripts: non-coding transcript variant (1).
Genome position (GRCh38, 1-based): chr1:27,109,678, C>T on the plus strand (G>A on the coding strand, the complement: SLC9A1 is on the minus strand). VCF-style: chr1-27109678-C-T. GRCh37 (hg19) VCF-style: chr1-27436169-C-T.
Other names: short protein forms G305R.
Identifiers: ClinVar variation 189315 (VCV000189315.3), dbSNP rs786204831, ClinGen allele CA199211.